The following is an entry in ClinVar:

ClinVar aggregate classification (germline): Benign. Review status: criteria provided, multiple submitters, no conflicts (2 of 4 stars). 2 submissions from 2 submitters: Benign (2). Last evaluated 2017-04-27.

Conditions:
SEPN1-related disorder. Also called: SEPN1-Related Disorders. Identifiers: MedGen CN239420.

Allele frequency attached by ClinVar (database versions not stated): gnomAD exomes 0.14754; TOPMed 0.17012; gnomAD 0.16552 and 0.16329; 1000 Genomes Project 30x 0.16287; 1000 Genomes Project 0.16294.
gnomAD v4.1: 25,433 of 152,300 alleles (17%); highest among the groups gnomAD compares: East Asian, 32%; 2,628 homozygotes.

Submissions (2):

Illumina Laboratory Services, Illumina
Classification: Benign for SEPN1-Related Disorders. Last evaluated: 2017-04-27. Review status: criteria provided, single submitter. Criteria: ICSL Variant Classification Criteria 13 December 2019. Collection method: clinical testing. Allele origin: germline.
Comment: This variant was observed as part of a predisposition screen in an ostensibly healthy population. A literature search was performed for the gene, cDNA change, and amino acid change (where applicable). No publications were found based on this search. Allele frequency data from public databases was too high to be consistent with this variant causing disease. Therefore, this variant is classified as benign.

Breakthrough Genomics
Classification: Benign. Review status: criteria provided, single submitter. Criteria: ACMG Guidelines, 2015. Collection method: not provided. Allele origin: germline. Inheritance: Autosomal recessive inheritance. Affected: yes.

NM_206926.2(SELENON):c.*2465G>A

Gene: SELENON (selenoprotein N; plus strand). Cytogenetic location: 1p36.11.
Variant type: single nucleotide variant.
Coding change: c.*2465G>A on transcript NM_206926.2 (MANE Select); 2465 bases downstream of the stop codon, G replaced by A.
Molecular consequence: 3 prime UTR variant.
Genome position (GRCh38, 1-based): chr1:25,818,183, G>A. VCF-style: chr1-25818183-G-A. GRCh37 (hg19) VCF-style: chr1-26144674-G-A.
Other names: c.*2465G>A (NM_020451.3).
Identifiers: ClinVar variation 297066 (VCV000297066.6), dbSNP rs6872, ClinGen allele CA10610907.